The following is an entry in ClinVar:

ClinVar aggregate classification (germline): Benign (1 of 4 stars; one submission).

Conditions:
Bardet-Biedl syndrome 15 (BBS15). Identifiers: Orphanet 110, MedGen C3150127, MONDO:0014443, OMIM 615992.

Allele frequency attached by ClinVar (database versions not stated): gnomAD 0.00156 and 0.00004; gnomAD exomes 0.00302; 1000 Genomes Project 30x 0.00968; 1000 Genomes Project 0.01038; TOPMed 0.00025.
gnomAD v4.1: 949 of 390,016 alleles (0.24%); highest among the groups gnomAD compares: South Asian, 3.9%; 22 homozygotes.

Submission:

Illumina Laboratory Services, Illumina
Classification: Benign for Bardet-Biedl syndrome 15. Last evaluated: 2018-01-12. Review status: criteria provided, single submitter. Criteria: ICSL Variant Classification Criteria 13 December 2019. Collection method: clinical testing. Allele origin: germline.
Comment: This variant was observed in the ICSL laboratory as part of a predisposition screen in an ostensibly healthy population. It had not been previously curated by ICSL or reported in the Human Gene Mutation Database (HGMD: prior to June 1st, 2018), and was therefore a candidate for classification through an automated scoring system. Utilizing variant allele frequency, disease prevalence and penetrance estimates, and inheritance mode, an automated score was calculated to assess if this variant is too frequent to cause the disease. Based on the score and internal cut-off values, a variant classified as benign is not then subjected to further curation. The score for this variant resulted in a classification of benign for this disease.

NM_015910.7(WDPCP):c.*323A>G

Gene: WDPCP (WD repeat containing planar cell polarity effector; minus strand). Cytogenetic location: 2p15.
Variant type: single nucleotide variant.
Coding change: c.*323A>G on transcript NM_015910.7 (MANE Select); 323 bases downstream of the stop codon, A replaced by G.
Molecular consequence: 3 prime UTR variant. On other transcripts: non-coding transcript variant (3).
Genome position (GRCh38, 1-based): chr2:63,121,683, T>C on the plus strand (A>G on the coding strand, the complement: WDPCP is on the minus strand). VCF-style: chr2-63121683-T-C. GRCh37 (hg19) VCF-style: chr2-63348818-T-C.
Other names: c.*323A>G (NM_001042692.3, NM_001354044.2).
Identifiers: ClinVar variation 336753 (VCV000336753.5), dbSNP rs369149310, ClinGen allele CA10614256.